The following is an entry in ClinVar:

NM_144687.4(NLRP12):c.770del (p.Gln257fs)

Gene: NLRP12 (NLR family pyrin domain containing 12; minus strand). Cytogenetic location: 19q13.42.
Variant type: Deletion.
Coding change: c.770del on transcript NM_144687.4 (MANE Select); coding-DNA position 770, one base deleted (A; older notation c.770delA).
Protein change: p.Gln257fs; shifts the reading frame from glutamine 257.
Molecular consequence: frameshift variant.
Genome position (GRCh38, 1-based): chr19:53,810,889, T deleted on the plus strand (A on the coding strand, the reverse complement: NLRP12 is on the minus strand). VCF-style (leftmost placement, unchanged base first): chr19-53810888-CT-C. GRCh37 (hg19) VCF-style: chr19-54314142-CT-C.
Other names: c.770del, p.Gln257fs (NM_001277126.2, NM_001277129.1); short protein forms Q257fs.
Identifiers: ClinVar variation 1687186 (VCV001687186.1), dbSNP rs2122677940, ClinGen allele CA2573156817.
Genomic context (GRCh38, chr19:53,810,888, plus strand): 5'-CGCGCTGGGCTCAGGCCAGCAGCTGAAGATGAGGTCTTGCATGCTGCATTCCGTGGCACT[CT>C]GGTTCATCTCCCTGCAGTTGATGTAGAAGAGATAATCAAATCTGCCTTGGAAGAGCTTCC-3'

ClinVar aggregate classification (germline): Likely pathogenic (1 of 4 stars; one submission).

Conditions:
Familial cold autoinflammatory syndrome 2 (FCAS2). Identifiers: Orphanet 247868, MedGen C2673198, MONDO:0012724, OMIM 611762.

Submission:

3billion
Classification: Likely pathogenic for Familial cold autoinflammatory syndrome 2. Last evaluated: 2022-05-22. Review status: criteria provided, single submitter. Criteria: ACMG Guidelines, 2015. Collection method: clinical testing. Allele origin: germline. Affected: yes. Observed: 1 heterozygote.
Comment: The deletion creates a frameshift variant, which is expected to cause a loss of normal protein function via nonsense-mediated mRNA decay. It is absent from the gnomAD v2.1.1 dataset. Therefore, this variant is classified as likely pathogenic according to the recommendation of ACMG/AMP guideline.